The following is an entry in ClinVar:

NM_005359.6(SMAD4):c.546C>G (p.Ile182Met)

Gene: SMAD4 (SMAD family member 4; plus strand). Cytogenetic location: 18q21.2.
Variant type: single nucleotide variant.
Coding change: c.546C>G on transcript NM_005359.6 (MANE Select); coding-DNA position 546, C replaced by G.
Protein change: p.Ile182Met; replaces isoleucine 182 with methionine.
Molecular consequence: missense variant.
Genome position (GRCh38, 1-based): chr18:51,054,872, C>G. VCF-style: chr18-51054872-C-G. GRCh37 (hg19) VCF-style: chr18-48581242-C-G.
Other names: short protein forms I182M.
Identifiers: ClinVar variation 660504 (VCV000660504.11), dbSNP rs1599186890, ClinGen allele CA402460910.

ClinVar aggregate classification (germline): Uncertain significance. Review status: criteria provided, multiple submitters, no conflicts (2 of 4 stars). 3 submissions from 3 submitters: Uncertain significance (3). Last evaluated 2026-03-22.

Conditions:
Juvenile polyposis syndrome (JPS). Identifiers: Orphanet 2929, MedGen C0345893, MONDO:0017380, OMIM 174900.
Hereditary cancer-predisposing syndrome. Also called: Tumor predisposition; Hereditary Cancer Syndrome; Neoplastic Syndromes, Hereditary; Hereditary neoplastic syndrome. Identifiers: Orphanet 140162, MedGen C0027672, MeSH D009386, MONDO:0015356.
Familial thoracic aortic aneurysm and aortic dissection (TAAD). Also called: Thoracic aortic aneurysms and dissections. Identifiers: Orphanet 91387, MedGen C4707243, MONDO:0019625.

Submissions (3):

Ambry Genetics
Classification: Uncertain significance for Hereditary cancer-predisposing syndrome; Familial thoracic aortic aneurysm and aortic dissection. Last evaluated: 2026-03-22. Review status: criteria provided, single submitter. Criteria: Ambry Variant Classification Scheme 2023. Collection method: clinical testing. Allele origin: germline.
Comment: The p.I182M variant (also known as c.546C>G), located in coding exon 4 of the SMAD4 gene, results from a C to G substitution at nucleotide position 546. The isoleucine at codon 182 is replaced by methionine, an amino acid with highly similar properties. This amino acid position is conserved. In addition, this alteration is predicted to be deleterious by in silico analysis. Based on the available evidence, the clinical significance of this variant remains unclear.

Color Diagnostics, LLC DBA Color Health
Classification: Uncertain significance for Hereditary cancer-predisposing syndrome. Last evaluated: 2025-08-20. Review status: criteria provided, single submitter. Criteria: ACMG Guidelines, 2015. Collection method: clinical testing. Allele origin: germline.
Comment: This missense variant replaces isoleucine with methionine at codon 182 of the SMAD4 protein. Computational prediction suggests that this variant may not impact protein structure and function. To our knowledge, functional studies have not been reported for this variant. This variant has not been reported in individuals affected with SMAD4-related disorders in the literature. This variant has not been identified in the general population by the Genome Aggregation Database (gnomAD). The available evidence is insufficient to determine the role of this variant in disease conclusively. Therefore, this variant is classified as a Variant of Uncertain Significance.

Labcorp Genetics (formerly Invitae), Labcorp
Classification: Uncertain significance for Juvenile polyposis syndrome. Last evaluated: 2024-04-24. Review status: criteria provided, single submitter. Criteria: Invitae Variant Classification Sherloc (09022015). Collection method: clinical testing. Allele origin: germline.
Comment: This sequence change replaces isoleucine, which is neutral and non-polar, with methionine, which is neutral and non-polar, at codon 182 of the SMAD4 protein (p.Ile182Met). This variant is not present in population databases (gnomAD no frequency). This variant has not been reported in the literature in individuals affected with SMAD4-related conditions. ClinVar contains an entry for this variant (Variation ID: 660504). Advanced modeling of protein sequence and biophysical properties (such as structural, functional, and spatial information, amino acid conservation, physicochemical variation, residue mobility, and thermodynamic stability) has been performed at Invitae for this missense variant, however the output from this modeling did not meet the statistical confidence thresholds required to predict the impact of this variant on SMAD4 protein function. In summary, the available evidence is currently insufficient to determine the role of this variant in disease. Therefore, it has been classified as a Variant of Uncertain Significance.